The following is an entry in ClinVar:

ClinVar aggregate classification (germline): Conflicting classifications of pathogenicity. Review status: criteria provided, conflicting classifications (1 of 4 stars). 2 submissions from 2 submitters: Uncertain significance (1); Likely benign (1). Last evaluated 2023-01-01.

Conditions:
Porphobilinogen synthase deficiency. Also called: ALAD DEFICIENCY; DELTA-AMINOLEVULINATE DEHYDRATASE DEFICIENCY; DOSS PORPHYRIA; PORPHYRIA, ALAD; Porphyria due to ALA dehydratase deficiency. Identifiers: Orphanet 100924, MedGen C0268328, MONDO:0013000, OMIM 612740.

Allele frequency attached by ClinVar (database versions not stated): 1000 Genomes Project 0.00260; 1000 Genomes Project 30x 0.00281; TOPMed 0.00447; gnomAD exomes 0.01042.
gnomAD v4.1: 857 of 152,410 alleles (0.56%); highest among the groups gnomAD compares: Non-Finnish European, 0.84%; 7 homozygotes.

Submissions (2):

CeGaT Center for Human Genetics Tuebingen
Classification: Likely benign. Last evaluated: 2023-01-01. Review status: criteria provided, single submitter. Criteria: CeGaT Center For Human Genetics Tuebingen Variant Classification Criteria Version 2. Collection method: clinical testing. Allele origin: germline. Affected: yes. Observed: 1 variant allele.
Comment: ALAD: BS2

Illumina Laboratory Services, Illumina
Classification: Uncertain significance for Porphobilinogen synthase deficiency. Last evaluated: 2018-01-13. Review status: criteria provided, single submitter. Criteria: ICSL Variant Classification Criteria 13 December 2019. Collection method: clinical testing. Allele origin: germline.

NM_000031.6(ALAD):c.*1322G>A

Gene: ALAD (aminolevulinate dehydratase; minus strand). Cytogenetic location: 9q32.
Variant type: single nucleotide variant.
Coding change: c.*1322G>A on transcript NM_000031.6 (MANE Select); 1322 bases downstream of the stop codon, G replaced by A.
Molecular consequence: 3 prime UTR variant.
Genome position (GRCh38, 1-based): chr9:113,386,978, C>T on the plus strand (G>A on the coding strand, the complement: ALAD is on the minus strand). VCF-style: chr9-113386978-C-T. GRCh37 (hg19) VCF-style: chr9-116149258-C-T.
Other names: c.*1322G>A (NM_001003945.3, NM_001317745.2).
Identifiers: ClinVar variation 914516 (VCV000914516.32), dbSNP rs11789221, ClinGen allele CA198542120.